The following is an entry in ClinVar:

NM_001377304.1(GFI1B):c.415G>T (p.Gly139Cys)

Gene: GFI1B (growth factor independent 1B transcriptional repressor; plus strand). Cytogenetic location: 9q34.13.
Variant type: single nucleotide variant.
Coding change: c.415G>T on transcript NM_001377304.1 (MANE Select); coding-DNA position 415, G replaced by T.
Protein change: p.Gly139Cys; replaces glycine 139 with cysteine.
Molecular consequence: missense variant.
Genome position (GRCh38, 1-based): chr9:132,988,373, G>T. VCF-style: chr9-132988373-G-T. GRCh37 (hg19) VCF-style: chr9-135863760-G-T.
Other names: c.415G>T, p.Gly139Cys (NM_001135031.2, NM_001371908.1, NM_001377305.1 and 1 more transcripts); short protein forms G139C.
Identifiers: ClinVar variation 3519859 (VCV003519859.2).

ClinVar aggregate classification (germline): Uncertain significance. Review status: criteria provided, multiple submitters, no conflicts (2 of 4 stars). 2 submissions from 2 submitters: Uncertain significance (2). Last evaluated 2025-07-30.

Conditions:
Inborn genetic diseases. Identifiers: MedGen C0950123, MeSH D030342.

gnomAD v4.1: 113 of 1,614,110 alleles (0.007%); highest among the groups gnomAD compares: African/African-American, 0.14%; 1 homozygote.

Submissions (2):

GeneDx
Classification: Uncertain significance. Last evaluated: 2025-07-30. Review status: criteria provided, single submitter. Criteria: GeneDx Variant Classification Process June 2021. Collection method: clinical testing. Allele origin: germline. Affected: yes.
Comment: In silico analysis supports that this missense variant has a deleterious effect on protein structure/function; Has not been previously published as pathogenic or benign to our knowledge; This variant is associated with the following publications: (PMID: 38311546)

Ambry Genetics
Classification: Uncertain significance for Inborn genetic diseases. Last evaluated: 2024-09-10. Review status: criteria provided, single submitter. Criteria: Ambry Variant Classification Scheme 2023. Collection method: clinical testing. Allele origin: germline.